The following is an entry in ClinVar:

NM_006158.5(NEFL):c.308G>T (p.Ser103Ile)

Gene: NEFL (neurofilament light chain; minus strand). Cytogenetic location: 8p21.2.
Variant type: single nucleotide variant.
Coding change: c.308G>T on transcript NM_006158.5 (MANE Select); coding-DNA position 308, G replaced by T.
Protein change: p.Ser103Ile; replaces serine 103 with isoleucine.
Molecular consequence: missense variant.
Genome position (GRCh38, 1-based): chr8:24,956,208, C>A on the plus strand (G>T on the coding strand, the complement: NEFL is on the minus strand). VCF-style: chr8-24956208-C-A. GRCh37 (hg19) VCF-style: chr8-24813722-C-A.
Other names: short protein forms S103I.
Identifiers: ClinVar variation 1727448 (VCV001727448.2), dbSNP rs2486887838, ClinGen allele CA370622846.

ClinVar aggregate classification (germline): Uncertain significance (1 of 4 stars; one submission).

Conditions:
Inborn genetic diseases. Identifiers: MedGen C0950123, MeSH D030342.

Allele frequency attached by ClinVar (database versions not stated): gnomAD exomes below 0.00001.
gnomAD v4.1: 1 of 1,611,018 alleles (0.000062%); highest among the groups gnomAD compares: Non-Finnish European, 0.000085%; no homozygotes.

Submission:

Ambry Genetics
Classification: Uncertain significance for Inborn genetic diseases. Last evaluated: 2020-11-10. Review status: criteria provided, single submitter. Criteria: Ambry Variant Classification Scheme 2023. Collection method: clinical testing. Allele origin: germline.
Comment: The p.S103I variant (also known as c.308G>T), located in coding exon 1 of the NEFL gene, results from a G to T substitution at nucleotide position 308. The serine at codon 103 is replaced by isoleucine, an amino acid with dissimilar properties. This amino acid position is not well conserved in available vertebrate species. In addition, the in silico prediction for this alteration is inconclusive. Since supporting evidence is limited at this time, the clinical significance of this alteration remains unclear.